The following is an entry in ClinVar:

NM_182961.4(SYNE1):c.381G>C (p.Trp127Cys)

Gene: SYNE1 (spectrin repeat containing nuclear envelope protein 1; minus strand). Cytogenetic location: 6q25.2.
Variant type: single nucleotide variant.
Coding change: c.381G>C on transcript NM_182961.4 (MANE Select); coding-DNA position 381, G replaced by C.
Protein change: p.Trp127Cys; replaces tryptophan 127 with cysteine.
Molecular consequence: missense variant.
Genome position (GRCh38, 1-based): chr6:152,511,032, C>G on the plus strand (G>C on the coding strand, the complement: SYNE1 is on the minus strand). VCF-style: chr6-152511032-C-G. GRCh37 (hg19) VCF-style: chr6-152832167-C-G.
Other names: c.402G>C, p.Trp134Cys (NM_033071.5); short protein forms W127C, W134C.
Identifiers: ClinVar variation 3360553 (VCV003360553.1).

ClinVar aggregate classification (germline): Uncertain significance (1 of 4 stars; one submission).

Submission:

GeneDx
Classification: Uncertain significance. Last evaluated: 2023-06-27. Review status: criteria provided, single submitter. Criteria: GeneDx Variant Classification Process June 2021. Collection method: clinical testing. Allele origin: germline. Affected: yes.
Comment: Not observed at significant frequency in large population cohorts (gnomAD); In silico analysis supports that this missense variant has a deleterious effect on protein structure/function; Has not been previously published as pathogenic or benign to our knowledge